The following is an entry in ClinVar:

ClinVar aggregate classification (germline): Likely pathogenic (1 of 4 stars; one submission).

Conditions:
LAMA2-related muscular dystrophy (LAMA2-RD). Also called: Laminin alpha 2-related dystrophy. Identifiers: MedGen C5679788, MONDO:0100228.

Submission:

Myriad Genetics, Inc.
Classification: Likely pathogenic for LAMA2-related muscular dystrophy. Last evaluated: 2019-07-18. Review status: criteria provided, single submitter. Criteria: Myriad Autosomal Dominant, Autosomal Recessive and X-Linked Classification Criteria (2023). Collection method: clinical testing. Allele origin: unknown.
Comment: NM_000426.3(LAMA2):c.4573C>T(Q1525*) is expected to be pathogenic in the context of LAMA2-related muscular dystrophy. This variant is predicted to lead to an abnormal or absent protein product due to the creation of a premature termination codon in LAMA2, a gene where loss-of-function variants are known to be pathogenic. Please note: this variant was assessed in the context of healthy population screening.

NM_000426.4(LAMA2):c.4573C>T (p.Gln1525Ter)

Gene: LAMA2 (laminin subunit alpha 2; plus strand). Cytogenetic location: 6q22.33.
Variant type: single nucleotide variant.
Coding change: c.4573C>T on transcript NM_000426.4 (MANE Select); coding-DNA position 4573, C replaced by T.
Protein change: p.Gln1525Ter; replaces glutamine 1525 with a stop codon.
Molecular consequence: nonsense.
Genome position (GRCh38, 1-based): chr6:129,353,213, C>T. VCF-style: chr6-129353213-C-T. GRCh37 (hg19) VCF-style: chr6-129674358-C-T.
Other names: c.4573C>T, p.Gln1525Ter (NM_001079823.2); short protein forms Q1525*.
Identifiers: ClinVar variation 984085 (VCV000984085.4), dbSNP rs1776953853, ClinGen allele CA365618528.